The following is an entry in ClinVar:

NM_005045.4(RELN):c.2901C>G (p.Cys967Trp)

Gene: RELN (reelin; minus strand). Cytogenetic location: 7q22.1.
Variant type: single nucleotide variant.
Coding change: c.2901C>G on transcript NM_005045.4 (MANE Select); coding-DNA position 2901, C replaced by G.
Protein change: p.Cys967Trp; replaces cysteine 967 with tryptophan.
Molecular consequence: missense variant.
Genome position (GRCh38, 1-based): chr7:103,610,802, G>C on the plus strand (C>G on the coding strand, the complement: RELN is on the minus strand). VCF-style: chr7-103610802-G-C. GRCh37 (hg19) VCF-style: chr7-103251249-G-C.
Other names: c.2901C>G, p.Cys967Trp (NM_173054.3); short protein forms C967W.
Identifiers: ClinVar variation 3763544 (VCV003763544.2).

ClinVar aggregate classification (germline): Uncertain significance (1 of 4 stars; one submission).

Conditions:
Familial temporal lobe epilepsy 7. Identifiers: Orphanet 101046, MedGen C4225327, MONDO:0014639, OMIM 616436.
Norman-Roberts syndrome (LIS2). Also called: Lissencephaly 2 (Norman-Roberts type). Identifiers: Orphanet 89844, MedGen C0796089, MONDO:0009760, OMIM 257320.

gnomAD v4.1: 3 of 1,590,344 alleles (0.00019%); highest among the groups gnomAD compares: Non-Finnish European, 0.00026%; no homozygotes.

Submission:

Labcorp Genetics (formerly Invitae), Labcorp
Classification: Uncertain significance for Familial temporal lobe epilepsy 7; Norman-Roberts syndrome. Last evaluated: 2025-04-18. Review status: criteria provided, single submitter. Criteria: Invitae Variant Classification Sherloc (09022015). Collection method: clinical testing. Allele origin: germline.
Comment: This sequence change replaces cysteine, which is neutral and slightly polar, with tryptophan, which is neutral and slightly polar, at codon 967 of the RELN protein (p.Cys967Trp). This variant is present in population databases (no rsID available, gnomAD 0.0009%). This variant has not been reported in the literature in individuals affected with RELN-related conditions. ClinVar contains an entry for this variant (Variation ID: 3763544). Invitae Evidence Modeling of protein sequence and biophysical properties (such as structural, functional, and spatial information, amino acid conservation, physicochemical variation, residue mobility, and thermodynamic stability) has been performed for this missense variant. However, the output from this modeling did not meet the statistical confidence thresholds required to predict the impact of this variant on RELN protein function. In summary, the available evidence is currently insufficient to determine the role of this variant in disease. Therefore, it has been classified as a Variant of Uncertain Significance.